The following is an entry in ClinVar:

NM_000789.4(ACE):c.177G>A (p.Gln59=)

Gene: ACE (angiotensin I converting enzyme; plus strand). Cytogenetic location: 17q23.3.
Variant type: single nucleotide variant.
Coding change: c.177G>A on transcript NM_000789.4 (MANE Select); coding-DNA position 177, G replaced by A.
Protein change: p.Gln59=; no amino-acid change (glutamine 59 retained).
Molecular consequence: synonymous variant.
Genome position (GRCh38, 1-based): chr17:63,477,271, G>A. VCF-style: chr17-63477271-G-A. GRCh37 (hg19) VCF-style: chr17-61554632-G-A.
Identifiers: ClinVar variation 324361 (VCV000324361.15), dbSNP rs147912715, ClinGen allele CA8698956.

ClinVar aggregate classification (germline): Benign/Likely benign. Review status: criteria provided, multiple submitters, no conflicts (2 of 4 stars). 4 submissions from 4 submitters: Benign (1); Likely benign (3). Last evaluated 2026-01-06.

Conditions:
Hemorrhage, intracerebral, susceptibility to (ICH). Also called: Stroke, hemorrhagic, susceptibility to. Identifiers: MedGen C3281105, MONDO:0100533, OMIM 614519.
Renal tubular dysgenesis of genetic origin. Also called: PRIMITIVE RENAL TUBULE SYNDROME. Identifiers: Orphanet 97369, MedGen C5681536, MONDO:0009970, OMIM 267430.
Microvascular complications of diabetes, susceptibility to, 3. Identifiers: MedGen C2675470, MONDO:0012963, OMIM 612624.
Renal tubular dysgenesis. Also called: Renotubular dysgenesis. Identifiers: Orphanet 3033, MedGen C0266313, MONDO:0017609, HP:0008660.

Allele frequency attached by ClinVar (database versions not stated): gnomAD 0.00034 and 0.00058; gnomAD exomes 0.00088; TOPMed 0.00114; 1000 Genomes Project 0.00280; 1000 Genomes Project 30x 0.00312; ExAC 0.00484.
gnomAD v4.1: 1,107 of 1,487,410 alleles (0.074%); highest among the groups gnomAD compares: East Asian, 2.9%; 24 homozygotes.

Submissions (4):

Labcorp Genetics (formerly Invitae), Labcorp
Classification: Benign. Last evaluated: 2026-01-06. Review status: criteria provided, single submitter. Criteria: Invitae Variant Classification Sherloc (09022015). Collection method: clinical testing. Allele origin: germline.

Blueprint Genetics
Classification: Likely benign. Last evaluated: 2024-11-21. Review status: criteria provided, single submitter. Criteria: ACMG Guidelines, 2015. Collection method: clinical testing. Allele origin: germline.

Fulgent Genetics
Classification: Likely benign for Renal tubular dysgenesis of genetic origin; Microvascular complications of diabetes, susceptibility to, 3; Hemorrhage, intracerebral, susceptibility to. Last evaluated: 2021-12-03. Review status: criteria provided, single submitter. Criteria: ACMG Guidelines, 2015. Collection method: clinical testing. Allele origin: unknown.

Illumina Laboratory Services, Illumina
Classification: Likely benign for Renal tubular dysgenesis of genetic origin. Last evaluated: 2017-04-27. Review status: criteria provided, single submitter. Criteria: ICSL Variant Classification Criteria 13 December 2019. Collection method: clinical testing. Allele origin: germline.
Comment: This variant was observed as part of a predisposition screen in an ostensibly healthy population. A literature search was performed for the gene, cDNA change, and amino acid change (where applicable). No publications were found based on this search. Allele frequency data from public databases allowed determination this variant is unlikely to cause disease. Therefore, this variant is classified as likely benign.